The following is an entry in ClinVar:

NM_000685.5(AGTR1):c.428T>G (p.Leu143Arg)

Gene: AGTR1 (angiotensin II receptor type 1; plus strand). Cytogenetic location: 3q24.
Variant type: single nucleotide variant.
Coding change: c.428T>G on transcript NM_000685.5 (MANE Select); coding-DNA position 428, T replaced by G.
Protein change: p.Leu143Arg; replaces leucine 143 with arginine.
Molecular consequence: missense variant.
Genome position (GRCh38, 1-based): chr3:148,741,463, T>G. VCF-style: chr3-148741463-T-G. GRCh37 (hg19) VCF-style: chr3-148459250-T-G.
Other names: c.428T>G, p.Leu143Arg (NM_001382736.1, NM_001382737.1, NM_004835.5 and 3 more transcripts); short protein forms L143R.
Identifiers: ClinVar variation 1378421 (VCV001378421.6), dbSNP rs1329812513, ClinGen allele CA354887362.

ClinVar aggregate classification (germline): Uncertain significance (1 of 4 stars; one submission).

Allele frequency attached by ClinVar (database versions not stated): gnomAD exomes below 0.00001; TOPMed below 0.00001.
gnomAD v4.1: 3 of 1,612,372 alleles (0.00019%); highest among the groups gnomAD compares: Non-Finnish European, 0.00017%; no homozygotes.

Submission:

Labcorp Genetics (formerly Invitae), Labcorp
Classification: Uncertain significance. Last evaluated: 2021-10-27. Review status: criteria provided, single submitter. Criteria: Invitae Variant Classification Sherloc (09022015). Collection method: clinical testing. Allele origin: germline.
Comment: This sequence change replaces leucine, a(n) neutral and non-polar amino acid, with arginine, a(n) basic and polar amino acid, at codon 178 of the AGTR1 protein (p.Leu178Arg). This variant is present in population databases (no rsID available, gnomAD 0.0009%). Algorithms developed to predict the effect of missense changes on protein structure and function are either unavailable or do not agree on the potential impact of this missense change (SIFT: "Deleterious"; PolyPhen-2: "Not Available"; Align-GVGD: "Class C25"). In summary, the available evidence is currently insufficient to determine the role of this variant in disease. Therefore, it has been classified as a Variant of Uncertain Significance. This variant has not been reported in the literature in individuals affected with AGTR1-related conditions.